The following is an entry in ClinVar:

NM_003722.5(TP63):c.*2318G>A

Gene: TP63 (tumor protein p63; plus strand). Cytogenetic location: 3q28.
Variant type: single nucleotide variant.
Coding change: c.*2318G>A on transcript NM_003722.5 (MANE Select); 2318 bases downstream of the stop codon, G replaced by A.
Molecular consequence: 3 prime UTR variant.
Genome position (GRCh38, 1-based): chr3:189,896,820, G>A. VCF-style: chr3-189896820-G-A. GRCh37 (hg19) VCF-style: chr3-189614609-G-A.
Other names: c.*2599G>A (NM_001114978.2, NM_001114981.2); c.*2318G>A (NM_001114980.2, NM_001329146.2, NM_001329148.2 and 1 more transcripts); c.*2589G>A (NM_001329144.2, NM_001329145.2, NM_001329149.2 and 1 more transcripts).
Identifiers: ClinVar variation 344430 (VCV000344430.7), dbSNP rs199834330, ClinGen allele CA10615937.

ClinVar aggregate classification (germline): Benign/Likely benign. Review status: criteria provided, multiple submitters, no conflicts (2 of 4 stars). 4 submissions from 2 submitters: Benign (2); Likely benign (2). Last evaluated 2018-01-12.

Conditions:
Ectrodactyly, ectodermal dysplasia, and cleft lip-palate syndrome 3. Also called: Ectrodactyly, Ectodermal Dysplasia, Clefting Syndrome; EEC SYNDROME 3; Ectrodactyly, Ectodermal Dysplasia, Clefting Syndrome Type 3 (EEC3); Ectrodactyly, Ectodermal Dysplasia, Cleft Lip/Palate Syndrome 3 (EEC3). Identifiers: Orphanet 1896, MedGen C1858562, MONDO:0011428, OMIM 604292.
TP63-Related Spectrum Disorders.
Orofacial cleft 8. Also called: Cleft lip with or without cleft palate, nonsyndromic, 8. Identifiers: MedGen C1851878, MONDO:0029145, OMIM 618149.

Allele frequency attached by ClinVar (database versions not stated): gnomAD 0.00009 and 0.00011; TOPMed 0.00025; 1000 Genomes Project 0.00040; 1000 Genomes Project 30x 0.00047; gnomAD exomes 0.00058.
gnomAD v4.1: 48 of 210,640 alleles (0.023%); highest among the groups gnomAD compares: East Asian, 0.35%; no homozygotes.

Submissions (4):

Illumina Laboratory Services, Illumina
Classification: Likely benign for Orofacial cleft 8. Last evaluated: 2018-01-12. Review status: criteria provided, single submitter. Criteria: ICSL Variant Classification Criteria 13 December 2019. Collection method: clinical testing. Allele origin: germline.
Comment: This variant was observed in the ICSL laboratory as part of a predisposition screen in an ostensibly healthy population. It had not been previously curated by ICSL or reported in the Human Gene Mutation Database (HGMD: prior to June 1st, 2018), and was therefore a candidate for classification through an automated scoring system. Utilizing variant allele frequency, disease prevalence and penetrance estimates, and inheritance mode, an automated score was calculated to assess if this variant is too frequent to cause the disease. Based on the score and internal cut-off values, a variant classified as likely benign is not then subjected to further curation. The score for this variant resulted in a classification of likely benign for this disease.

Illumina Laboratory Services, Illumina
Classification: Benign for Ectrodactyly, ectodermal dysplasia, and cleft lip-palate syndrome 3. Last evaluated: 2018-01-12. Review status: criteria provided, single submitter. Criteria: ICSL Variant Classification Criteria 13 December 2019. Collection method: clinical testing. Allele origin: germline.
Comment: This variant was observed in the ICSL laboratory as part of a predisposition screen in an ostensibly healthy population. It had not been previously curated by ICSL or reported in the Human Gene Mutation Database (HGMD: prior to June 1st, 2018), and was therefore a candidate for classification through an automated scoring system. Utilizing variant allele frequency, disease prevalence and penetrance estimates, and inheritance mode, an automated score was calculated to assess if this variant is too frequent to cause the disease. Based on the score and internal cut-off values, a variant classified as benign is not then subjected to further curation. The score for this variant resulted in a classification of benign for this disease.

Illumina Laboratory Services, Illumina
Classification: Benign for TP63-Related Spectrum Disorders. Last evaluated: 2018-01-12. Review status: criteria provided, single submitter. Criteria: ICSL Variant Classification Criteria 13 December 2019. Collection method: clinical testing. Allele origin: germline.
Comment: the same text as in the submission from Illumina Laboratory Services, Illumina above.

Breakthrough Genomics
Classification: Likely benign. Review status: criteria provided, single submitter. Criteria: ACMG Guidelines, 2015. Collection method: not provided. Allele origin: germline. Inheritance: Autosomal dominant inheritance. Affected: yes.